The following is an entry in ClinVar:

ClinVar aggregate classification (germline): Conflicting classifications of pathogenicity. Review status: criteria provided, conflicting classifications (1 of 4 stars). 2 submissions from 1 submitter: Uncertain significance (1); Likely benign (1). Last evaluated 2018-01-12.

Conditions:
Dilated cardiomyopathy 1U. Identifiers: Orphanet 154, MedGen C3160720, MONDO:0013371, OMIM 613694.
Alzheimer disease 3 (AD3). Also called: ALZHEIMER DISEASE, FAMILIAL, 3. Identifiers: Orphanet 1020, MedGen C1843013, MONDO:0011913, OMIM 607822.

Allele frequency attached by ClinVar (database versions not stated): gnomAD 0.00035 and 0.00038; 1000 Genomes Project 30x 0.00047; TOPMed 0.00048; 1000 Genomes Project 0.00080.
gnomAD v4.1: 52 of 152,298 alleles (0.034%); highest among the groups gnomAD compares: African/African-American, 0.12%; no homozygotes.

Submissions (2):

Illumina Laboratory Services, Illumina
Classification: Likely benign for Alzheimer disease 3. Last evaluated: 2018-01-12. Review status: criteria provided, single submitter. Criteria: ICSL Variant Classification Criteria 13 December 2019. Collection method: clinical testing. Allele origin: germline.
Comment: This variant was observed in the ICSL laboratory as part of a predisposition screen in an ostensibly healthy population. It had not been previously curated by ICSL or reported in the Human Gene Mutation Database (HGMD: prior to June 1st, 2018), and was therefore a candidate for classification through an automated scoring system. Utilizing variant allele frequency, disease prevalence and penetrance estimates, and inheritance mode, an automated score was calculated to assess if this variant is too frequent to cause the disease. Based on the score and internal cut-off values, a variant classified as likely benign is not then subjected to further curation. The score for this variant resulted in a classification of likely benign for this disease.

Illumina Laboratory Services, Illumina
Classification: Uncertain significance for Dilated cardiomyopathy 1U. Last evaluated: 2018-01-12. Review status: criteria provided, single submitter. Criteria: ICSL Variant Classification Criteria 13 December 2019. Collection method: clinical testing. Allele origin: germline.

NM_000021.4(PSEN1):c.*3328C>G

Gene: PSEN1 (presenilin 1; plus strand). Cytogenetic location: 14q24.2.
Variant type: single nucleotide variant.
Coding change: c.*3328C>G on transcript NM_000021.4 (MANE Select); 3328 bases downstream of the stop codon, C replaced by G.
Molecular consequence: 3 prime UTR variant.
Genome position (GRCh38, 1-based): chr14:73,222,617, C>G. VCF-style: chr14-73222617-C-G. GRCh37 (hg19) VCF-style: chr14-73689325-C-G.
Other names: c.*3328C>G (NM_007318.3).
Identifiers: ClinVar variation 884729 (VCV000884729.4), dbSNP rs181726819, ClinGen allele CA262622245.